The following is an entry in ClinVar:

ClinVar aggregate classification (germline): Benign. Review status: criteria provided, multiple submitters, no conflicts (2 of 4 stars). 7 submissions from 7 submitters: Benign (5). 2 of the submissions do not count toward it. Last evaluated 2024-01-24.

Conditions:
Hereditary breast ovarian cancer syndrome. Also called: Hereditary breast and ovarian cancer; Hereditary breast and/or ovarian cancer syndrome; Hereditary breast and ovarian cancer syndrome; BRCA1- and BRCA2-Associated Hereditary Breast and Ovarian Cancer; Hereditary breast and ovarian cancer syndrome (HBOC); Breast and ovarian cancer. Identifiers: Orphanet 145, MedGen C0677776, MeSH D061325, MONDO:0003582. Disease mechanism: loss of function.
Ataxia-telangiectasia syndrome (AT). Also called: Ataxia-telangiectasia, complementation group D; AT, COMPLEMENTATION GROUP C; ATAXIA-TELANGIECTASIA, COMPLEMENTATION GROUP A; ATAXIA-TELANGIECTASIA, FRESNO VARIANT; Ataxia-telangiectasia; LOUIS-BAR SYNDROME. Identifiers: Orphanet 100, MedGen C0004135, MONDO:0008840, OMIM 208900.

Submissions (7):

Unidad de Genómica Garrahan, Hospital de Pediatría Garrahan
Classification: Benign. Last evaluated: 2024-01-24. Review status: criteria provided, single submitter. Criteria: ACMG Guidelines, 2015. Collection method: clinical testing. Allele origin: germline. Affected: no. Observed: 76 variant alleles.
Comment: This variant is classified as Benign based on local population frequency. This variant was detected in 80% of patients studied by a panel of primary immunodeficiencies. Number of patients: 76. Only high quality variants are reported.

National Health Laboratory Service, Universitas Academic Hospital and University of the Free State
Classification: Benign for Hereditary breast ovarian cancer syndrome. Last evaluated: 2022-04-19. Review status: criteria provided, single submitter. Criteria: ACMG Guidelines, 2015. Collection method: clinical testing. Allele origin: germline. Affected: yes. Observed: 130 variant alleles.

Genome-Nilou Lab
Classification: Benign for Ataxia-telangiectasia syndrome. Last evaluated: 2021-07-14. Review status: criteria provided, single submitter. Criteria: ACMG Guidelines, 2015. Collection method: clinical testing. Allele origin: germline. Affected: no.

Women's Health and Genetics/Laboratory Corporation of America, LabCorp
Classification: Benign. Last evaluated: 2017-10-09. Review status: criteria provided, single submitter. Criteria: LabCorp Variant Classification Summary - May 2015. Collection method: clinical testing. Allele origin: germline.
Comment: Variant summary: The ATM c.6808-60_6808-58delATT variant involves the deletions of a stretch of three intronic nucleotides. One in silico tool predicts a benign outcome for this variant. 5/5 splice prediction tools predict no significant impact on normal splicing. However, these predictions have yet to be confirmed by functional studies. This variant was found in gnomAD in 15100/30750 control chromosomes at a frequency of 0.4910569, which is approximately 124 times the estimated maximal expected allele frequency of a pathogenic ATM variant (0.0039528), suggesting this variant is a benign polymorphism. The variant of interest has not, to our knowledge, been reported in affected individuals via publications and/or reputable databases/clinical diagnostic laboratories; nor evaluated for functional impact by in vivo/vitro studies. Taken together, this variant is classified as benign.

GeneDx
Classification: Benign. Last evaluated: 2015-03-03. Review status: criteria provided, single submitter. Criteria: GeneDx Variant Classification Process June 2021. Collection method: clinical testing. Allele origin: germline. Affected: yes.

Clinical Genetics Laboratory, Department of Pathology, Netherlands Cancer Institute
Classification: Benign. Review status: no assertion criteria provided. Collection method: clinical testing. Allele origin: germline. Affected: yes. Study: VKGL Data-share Consensus. Not counted in ClinVar's aggregate classification.

Joint Genome Diagnostic Labs from Nijmegen and Maastricht, Radboudumc and MUMC+
Classification: Benign. Review status: no assertion criteria provided. Collection method: clinical testing. Allele origin: germline. Affected: yes. Study: VKGL Data-share Consensus. Not counted in ClinVar's aggregate classification.

NM_000051.4(ATM):c.6808-72ATT[4]

Genes: ATM (ATM serine/threonine kinase; plus strand), C11orf65 (chromosome 11 open reading frame 65; minus strand). Cytogenetic location: 11q22.3.
Variant type: Microsatellite.
Coding change: c.6808-72ATT[4] on transcript NM_000051.4 (MANE Select); four copies in a row of the 3-base unit ATT starting at c.6808-72; the reference has five copies in a row; one copy, 3 bases deleted.
Molecular consequence: intron variant.
Genome position (GRCh38, 1-based): chr11:108,325,998-108,326,000, ATT deleted; deleting any 3 consecutive bases within chr11:108,325,986-108,326,000 gives the same sequence; the position shown is the placement nearest the transcript's 3' end. VCF-style (leftmost placement, unchanged base first): chr11-108325985-CATT-C. GRCh37 (hg19) VCF-style: chr11-108196712-CATT-C.
Other names: c.6808-60_6808-58delATT (NM_000051.3); c.6808-60_6808-58del (NM_000051.4); c.*38+9220AAT[4] (NM_001351110.2); c.6808-72ATT[4] (NM_001351834.2); c.641-16929AAT[4] (NM_001330368.2).
Identifiers: ClinVar variation 633055 (VCV000633055.12), dbSNP rs3212322, ClinGen allele CA228412468.
Genomic context (GRCh38, chr11:108,325,985, plus strand): 5'-GGTCCTTAAGATAGTCCCTGACAAGTAGTTAAGTCCTCAATGAATGGTAGTTGCTGCTTT[CATT>C]ATTATTATTATTCATGGTAGTAGTATCAGTAGTAAAAGTATTTATTCCCATATGTCATTT-3'